The following is an entry in ClinVar:

ClinVar aggregate classification (germline): Pathogenic. Review status: criteria provided, multiple submitters, no conflicts (2 of 4 stars). 3 submissions from 3 submitters: Pathogenic (2). 1 of the submissions does not count toward it. Last evaluated 2025-07-13.

Conditions:
Primary ciliary dyskinesia 15. Also called: CILIARY DYSKINESIA, PRIMARY, 15, WITH OR WITHOUT SITUS INVERSUS. Identifiers: Orphanet 244, MedGen C3151137, MONDO:0013435, OMIM 613808.
CCDC40-related disorder. Also called: CCDC40-related condition.
Primary ciliary dyskinesia. Also called: Ciliary dyskinesia. Identifiers: Orphanet 244, MedGen C0008780, MONDO:0016575, HP:0012265.

Allele frequency attached by ClinVar (database versions not stated): gnomAD 0.00001; gnomAD exomes 0.00001 and 0.00002; TOPMed 0.00001; ExAC 0.00002; ESP Exome Variant Server 0.00008.
gnomAD v4.1: 7 of 1,614,102 alleles (0.00043%); highest among the groups gnomAD compares: African/African-American, 0.0013%; no homozygotes.

Submissions (3):

Labcorp Genetics (formerly Invitae), Labcorp
Classification: Pathogenic for Primary ciliary dyskinesia. Last evaluated: 2025-07-13. Review status: criteria provided, single submitter. Criteria: Invitae Variant Classification Sherloc (09022015). Collection method: clinical testing. Allele origin: germline.
Comment: This sequence change creates a premature translational stop signal (p.Lys438*) in the CCDC40 gene. It is expected to result in an absent or disrupted protein product. Loss-of-function variants in CCDC40 are known to be pathogenic (PMID: 21131974, 22693285, 23255504). This variant is present in population databases (rs371595543, gnomAD 0.007%). This premature translational stop signal has been observed in individual(s) with primary ciliary dyskinesia (PMID: 22499950). ClinVar contains an entry for this variant (Variation ID: 574268). For these reasons, this variant has been classified as Pathogenic.

Illumina Laboratory Services, Illumina
Classification: Pathogenic for Primary ciliary dyskinesia 15. Last evaluated: 2023-05-24. Review status: criteria provided, single submitter. Criteria: ICSLVariantClassificationCriteria RUGD 01 April 2020. Collection method: clinical testing. Allele origin: unknown.

PreventionGenetics, part of Exact Sciences
Classification: Pathogenic for CCDC40-related condition. Last evaluated: 2023-12-15. Review status: no assertion criteria provided. Collection method: clinical testing. Allele origin: germline. Not counted in ClinVar's aggregate classification.
Comment: The CCDC40 c.1312A>T variant is predicted to result in premature protein termination (p.Lys438*). This variant has been reported in the presumed compound heterozygous state in an individual with primary ciliary dyskinesia (Nakhleh et al. 2012. PubMed ID: 22499950). This variant is reported in 0.0065% of alleles in individuals of African descent in gnomAD. Nonsense variants in CCDC40 are expected to be pathogenic. This variant is interpreted as pathogenic.

Literature cited by the submitters: PubMed 21131974 (cited by Labcorp Genetics (formerly Invitae), Labcorp); PubMed 22693285 (cited by Labcorp Genetics (formerly Invitae), Labcorp); PubMed 23255504 (cited by Labcorp Genetics (formerly Invitae), Labcorp); PubMed 22499950 (cited by Labcorp Genetics (formerly Invitae), Labcorp).

NM_017950.4(CCDC40):c.1312A>T (p.Lys438Ter)

Gene: CCDC40 (coiled-coil domain 40 molecular ruler complex subunit; plus strand). Cytogenetic location: 17q25.3.
Variant type: single nucleotide variant.
Coding change: c.1312A>T on transcript NM_017950.4 (MANE Select); coding-DNA position 1312, A replaced by T.
Protein change: p.Lys438Ter; replaces lysine 438 with a stop codon.
Molecular consequence: nonsense.
Genome position (GRCh38, 1-based): chr17:80,058,646, A>T. VCF-style: chr17-80058646-A-T. GRCh37 (hg19) VCF-style: chr17-78032445-A-T.
Other names: c.1312A>T, p.Lys438Ter (NM_001243342.2, NM_001330508.2); short protein forms K438*.
Identifiers: ClinVar variation 574268 (VCV000574268.18), dbSNP rs371595543, ClinGen allele CA8813770.